The following is an entry in ClinVar:

ClinVar aggregate classification (germline): Uncertain significance (1 of 4 stars; one submission).

Conditions:
Dilated cardiomyopathy 1JJ (CMD1JJ). Identifiers: Orphanet 154, MedGen C3808935, MONDO:0014095, OMIM 615235.

Submission:

Labcorp Genetics (formerly Invitae), Labcorp
Classification: Uncertain significance for Dilated cardiomyopathy 1JJ. Last evaluated: 2025-01-05. Review status: criteria provided, single submitter. Criteria: Invitae Variant Classification Sherloc (09022015). Collection method: clinical testing. Allele origin: germline.
Comment: This sequence change creates a premature translational stop signal (p.His373Glnfs*5) in the LAMA4 gene. It is expected to result in an absent or disrupted protein product. However, the current clinical and genetic evidence is not sufficient to establish whether loss-of-function variants in LAMA4 cause disease. This variant is not present in population databases (gnomAD no frequency). This variant has not been reported in the literature in individuals affected with LAMA4-related conditions. In summary, the available evidence is currently insufficient to determine the role of this variant in disease. Therefore, it has been classified as a Variant of Uncertain Significance.

NM_001105206.3(LAMA4):c.1140_1143del (p.His380fs)

Gene: LAMA4 (laminin subunit alpha 4; minus strand). Cytogenetic location: 6q21.
Variant type: Deletion.
Coding change: c.1140_1143del on transcript NM_001105206.3 (MANE Select); coding-DNA positions 1140 to 1143, 4 bases deleted (CGCA; older notation c.1140_1143delCGCA).
Protein change: p.His380fs; shifts the reading frame from histidine 380.
Molecular consequence: frameshift variant.
Genome position (GRCh38, 1-based): chr6:112,178,167-112,178,170, TGCG deleted on the plus strand (CGCA on the coding strand, the reverse complement: LAMA4 is on the minus strand); deleting any 4 consecutive bases within chr6:112,178,167-112,178,172 gives the same sequence; the c. name uses the placement nearest the transcript's 3' end. VCF-style (leftmost placement, unchanged base first): chr6-112178166-TTGCG-T. GRCh37 (hg19) VCF-style: chr6-112499368-TTGCG-T.
Other names: c.1119_1122del, p.His373fs (NM_001105207.3, NM_002290.5); short protein forms H373fs, H380fs.
Identifiers: ClinVar variation 3728494 (VCV003728494.2).
Genomic context (GRCh38, chr6:112,178,166, plus strand): 5'-AGAGAATATATTTACCTTGGATTTTATCCCTCATATCATGGGCTTGCTCTACCAGCTGAC[TTGCG>T]TGGTTAATGGTGTCCATGCTTTCCTTCTGAACAAGTTGTCCTTTTCTGGAGGCTTGATTT-3'